The following is an entry in ClinVar:

ClinVar aggregate classification (germline): Likely pathogenic (1 of 4 stars; one submission).

Submission:

GeneDx
Classification: Likely pathogenic. Last evaluated: 2017-01-24. Review status: criteria provided, single submitter. Criteria: GeneDx Variant Classification (06012015). Collection method: clinical testing. Allele origin: germline. Affected: yes.
Comment: The L397P variant in the SMARCAL1 gene has not been reported previously as a pathogenic variant, nor as a benign variant, to our knowledge. The L397P variant was not observed in approximately 6500 individuals of European and African American ancestry in the NHLBI Exome Sequencing Project, indicating it is not a common benign variant in these populations. The L397P variant is a semi-conservative amino acid substitution, which may impact secondary protein structure as these residues differ in some properties. In addition, this substitution occurs at a position that is conserved across species, and in silico analysis predicts this variant is probably damaging to the protein structure/function. The L397P variant is a strong candidate for a pathogenic variant, however the possibility it may be a rare benign variant cannot be excluded.

NM_014140.4(SMARCAL1):c.1190T>C (p.Leu397Pro)

Gene: SMARCAL1 (SWI/SNF related, matrix associated, actin dependent regulator of chromatin, subfamily a like 1; plus strand). Cytogenetic location: 2q35.
Variant type: single nucleotide variant.
Coding change: c.1190T>C on transcript NM_014140.4 (MANE Select); coding-DNA position 1190, T replaced by C.
Protein change: p.Leu397Pro; replaces leucine 397 with proline.
Molecular consequence: missense variant.
Genome position (GRCh38, 1-based): chr2:216,428,638, T>C. VCF-style: chr2-216428638-T-C. GRCh37 (hg19) VCF-style: chr2-217293361-T-C.
Other names: c.1190T>C, p.Leu397Pro (NM_001127207.2); short protein forms L397P.
Identifiers: ClinVar variation 392886 (VCV000392886.2), dbSNP rs1057524680, ClinGen allele CA16604116.